The following is an entry in ClinVar:

ClinVar aggregate classification (germline): Uncertain significance (1 of 4 stars; one submission).

Submission:

Labcorp Genetics (formerly Invitae), Labcorp
Classification: Uncertain significance. Last evaluated: 2025-05-26. Review status: criteria provided, single submitter. Criteria: Invitae Variant Classification Sherloc (09022015). Collection method: clinical testing. Allele origin: germline.
Comment: This sequence change replaces serine, which is neutral and polar, with proline, which is neutral and non-polar, at codon 98 of the RHO protein (p.Ser98Pro). This variant is not present in population databases (gnomAD no frequency). This variant has not been reported in the literature in individuals affected with RHO-related conditions. Invitae Evidence Modeling of protein sequence and biophysical properties (such as structural, functional, and spatial information, amino acid conservation, physicochemical variation, residue mobility, and thermodynamic stability) indicates that this missense variant is expected to disrupt RHO protein function with a positive predictive value of 95%. In summary, the available evidence is currently insufficient to determine the role of this variant in disease. Therefore, it has been classified as a Variant of Uncertain Significance.

NM_000539.3(RHO):c.292T>C (p.Ser98Pro)

Gene: RHO (rhodopsin; plus strand). Cytogenetic location: 3q22.1.
Variant type: single nucleotide variant.
Coding change: c.292T>C on transcript NM_000539.3 (MANE Select); coding-DNA position 292, T replaced by C.
Protein change: p.Ser98Pro; replaces serine 98 with proline.
Molecular consequence: missense variant.
Genome position (GRCh38, 1-based): chr3:129,529,025, T>C. VCF-style: chr3-129529025-T-C. GRCh37 (hg19) VCF-style: chr3-129247868-T-C.
Other names: short protein forms S98P.
Identifiers: ClinVar variation 4710033 (VCV004710033.1).
Genomic context (GRCh38, chr3:129,529,025, plus strand): 5'-AACCTAGCCGTGGCTGACCTCTTCATGGTCCTAGGTGGCTTCACCAGCACCCTCTACACC[T>C]CTCTGCATGGATACTTCGTCTTCGGGCCCACAGGATGCAATTTGGAGGGCTTCTTTGCCA-3'
Protein context (NP_000530.1, residues 88-108): LGGFTSTLYT[Ser98Pro]LHGYFVFGPT